The following is an entry in ClinVar:

ClinVar aggregate classification (germline): Likely benign (1 of 4 stars; one submission).

Submission:

CeGaT Center for Human Genetics Tuebingen
Classification: Likely benign. Last evaluated: 2025-09-01. Review status: criteria provided, single submitter. Criteria: CeGaT Center For Human Genetics Tuebingen Variant Classification Criteria Version 2. Collection method: clinical testing. Allele origin: germline. Affected: yes. Observed: 1 variant allele.
Comment: DENND5A: PM2:Supporting, BP4, BP7

NM_015213.4(DENND5A):c.498T>G (p.Ala166=)

Gene: DENND5A (DENN domain containing 5A; minus strand). Cytogenetic location: 11p15.4.
Variant type: single nucleotide variant.
Coding change: c.498T>G on transcript NM_015213.4 (MANE Select); coding-DNA position 498, T replaced by G.
Protein change: p.Ala166=; no amino-acid change (alanine 166 retained).
Molecular consequence: synonymous variant. On other transcripts: non-coding transcript variant (1).
Genome position (GRCh38, 1-based): chr11:9,204,111, A>C on the plus strand (T>G on the coding strand, the complement: DENND5A is on the minus strand). VCF-style: chr11-9204111-A-C. GRCh37 (hg19) VCF-style: chr11-9225658-A-C.
Other names: c.498T>G, p.Ala166= (NM_001243254.2); c.426T>G, p.Ala142= (NM_001348749.2); c.210T>G, p.Ala70= (NM_001348750.2).
Identifiers: ClinVar variation 4281252 (VCV004281252.7).